The following is an entry in ClinVar:

ClinVar aggregate classification (germline): Likely benign. Review status: criteria provided, single submitter (1 of 4 stars). 2 submissions from 2 submitters: Likely benign (1). 1 of the submissions does not count toward it. Last evaluated 2026-07-01.

Conditions:
PLCG2-related disorder. Also called: PLCG2-related condition.

gnomAD v4.1: 16 of 1,600,044 alleles (0.001%); highest among the groups gnomAD compares: Non-Finnish European, 0.0014%; no homozygotes.

Submissions (2):

CeGaT Center for Human Genetics Tuebingen
Classification: Likely benign. Last evaluated: 2026-07-01. Review status: criteria provided, single submitter. Criteria: CeGaT Center For Human Genetics Tuebingen Variant Classification Criteria Version 2. Collection method: clinical testing. Allele origin: germline. Affected: yes. Observed: 5 variant alleles.
Comment: PLCG2: BP4, BP7

PreventionGenetics, part of Exact Sciences
Classification: Likely benign for PLCG2-related condition. Last evaluated: 2022-10-27. Review status: no assertion criteria provided. Collection method: clinical testing. Allele origin: germline. Not counted in ClinVar's aggregate classification.
Comment: This variant is classified as likely benign based on ACMG/AMP sequence variant interpretation guidelines (Richards et al. 2015 PMID: 25741868, with internal and published modifications).

NM_002661.5(PLCG2):c.888A>T (p.Ser296=)

Gene: PLCG2 (phospholipase C gamma 2; plus strand). Cytogenetic location: 16q23.3.
Variant type: single nucleotide variant.
Coding change: c.888A>T on transcript NM_002661.5 (MANE Select); coding-DNA position 888, A replaced by T.
Protein change: p.Ser296=; no amino-acid change (serine 296 retained).
Molecular consequence: synonymous variant.
Genome position (GRCh38, 1-based): chr16:81,891,492, A>T. VCF-style: chr16-81891492-A-T. GRCh37 (hg19) VCF-style: chr16-81925097-A-T.
Other names: c.888A>T, p.Ser296= (NM_001425749.1, NM_001425750.1, NM_001425751.1).
Identifiers: ClinVar variation 3032237 (VCV003032237.16), dbSNP rs1187780050, ClinGen allele CA496699254.